The following is an entry in ClinVar:

ClinVar aggregate classification (germline): Likely pathogenic (1 of 4 stars; one submission).

Conditions:
Bradycardia. Identifiers: MedGen C0428977, HP:0001662.
Progressive familial heart block. Identifiers: Orphanet 871, MedGen CN230454, MONDO:0019490.

Submission:

Petrovsky National Research Centre of Surgery, The Federal Agency for Scientific Organizations
Classification: Likely pathogenic for Progressive familial heart block; Bradycardia. Last evaluated: 2021-12-23. Review status: criteria provided, single submitter. Criteria: ACMG Guidelines, 2015. Collection method: clinical testing. Allele origin: unknown. Inheritance: Autosomal dominant inheritance. Affected: yes. Observed: 1 heterozygote.
Comment: This variant was evaluated according to ACMG criteria. PM2: Absent from controls (or at extremely low frequency if recessive) in gnomAD; PM1: Located in a mutational hot spot and/or critical and well-established functional domain (e.g., active site of an enzyme) without benign variation; PM4: Protein length changes as a result of in-frame deletions/insertions in a nonrepeat region or stop-loss variants. Based on this evidences the genetic variant NM_001927.4:c.1158_1160delinsTACCAGGACCTGCTG is classified as likely pathogenic.

NM_001927.4(DES):c.1158_1160delinsTACCAGGACCTGCTG (p.Glu387delinsThrArgThrCysTrp)

Gene: DES (desmin; plus strand). Cytogenetic location: 2q35.
Variant type: Indel.
Coding change: c.1158_1160delinsTACCAGGACCTGCTG on transcript NM_001927.4 (MANE Select); coding-DNA positions 1158 to 1160, CGA replaced by TACCAGGACCTGCTG.
Protein change: p.Glu387delinsThrArgThrCysTrp.
Molecular consequence: inframe indel. On other transcripts: intron variant (1).
Genome position (GRCh38, 1-based): chr2:219,421,474-219,421,476, CGA replaced by TACCAGGACCTGCTG. VCF-style: chr2-219421474-CGA-TACCAGGACCTGCTG. GRCh37 (hg19) VCF-style: chr2-220286196-CGA-TACCAGGACCTGCTG.
Other names: p.Glu387delinsThrArgThrCysTrp; c.1155_1157delinsTACCAGGACCTGCTG, p.Glu386delinsThrArgThrCysTrp (NM_001382708.1); c.1089_1091delinsTACCAGGACCTGCTG, p.Glu364delinsThrArgThrCysTrp (NM_001382710.1); c.1137_1139delinsTACCAGGACCTGCTG, p.Glu380delinsThrArgThrCysTrp (NM_001382711.1); c.1158_1160delinsTACCAGGACCTGCTG, p.Glu387delinsThrArgThrCysTrp (NM_001382712.1); c.888_890delinsTACCAGGACCTGCTG, p.Glu297delinsThrArgThrCysTrp (NM_001382713.1); c.736-10_736-8delinsTACCAGGACCTGCTG (NM_001382709.1).
Identifiers: ClinVar variation 1332983 (VCV001332983.2), dbSNP rs2125168811, ClinGen allele CA2573135388.
Genomic context (GRCh38, chr2:219,421,474, plus strand): 5'-CATTGCGCGCCTGGAGGAGGAAATCCGGCACCTCAAGGATGAGATGGCCCGCCATCTGCG[CGA>TACCAGGACCTGCTG]GTACCAGGACCTGCTCAACGTGAAGATGGCCCTGGATGTGGAGATTGCCACCTACCGGAA-3'